The following is an entry in ClinVar:

ClinVar aggregate classification (germline): Likely benign (1 of 4 stars; one submission).

Allele frequency attached by ClinVar (database versions not stated): 1000 Genomes Project 0.00100; TOPMed 0.00107; 1000 Genomes Project 30x 0.00109; gnomAD exomes 0.00130; ESP Exome Variant Server 0.00138; gnomAD 0.00141; ExAC 0.00171.
gnomAD v4.1: 2,119 of 1,609,736 alleles (0.13%); highest among the groups gnomAD compares: East Asian, 0.53%; 50 homozygotes.

Submission:

CeGaT Center for Human Genetics Tuebingen
Classification: Likely benign. Last evaluated: 2022-11-01. Review status: criteria provided, single submitter. Criteria: CeGaT Center For Human Genetics Tuebingen Variant Classification Criteria Version 2. Collection method: clinical testing. Allele origin: germline. Affected: yes. Observed: 1 variant allele.
Comment: PSG7: BP4, BS2

NM_002783.3(PSG7):c.431-7C>T

Gene: PSG7 (pregnancy specific beta-1-glycoprotein 7; minus strand). Cytogenetic location: 19q13.31.
Variant type: single nucleotide variant.
Coding change: c.431-7C>T on transcript NM_002783.3 (MANE Select); 7 bases into the intron before coding-DNA position 431, C replaced by T.
Molecular consequence: intron variant.
Genome position (GRCh38, 1-based): chr19:42,929,727, G>A on the plus strand (C>T on the coding strand, the complement: PSG7 is on the minus strand). VCF-style: chr19-42929727-G-A. GRCh37 (hg19) VCF-style: chr19-43433879-G-A.
Other names: c.65-7C>T (NM_001206650.2).
Identifiers: ClinVar variation 2650053 (VCV002650053.24), dbSNP rs185488999, ClinGen allele CA9482196.